The following is an entry in ClinVar:

NC_000015.10:g.84816962C>T

Gene: ALPK3 (alpha kinase 3; plus strand). Cytogenetic location: 15q25.3.
Variant type: single nucleotide variant.
Genome position: GRCh38 VCF-style: chr15-84816962-C-T. GRCh37 (hg19) VCF-style: chr15-85360193-C-T.
Identifiers: ClinVar variation 1477678 (VCV001477678.7), dbSNP rs1189001595, ClinGen allele CA393368183.
Genomic context (GRCh38, chr15:84,816,962, plus strand): 5'-GCGAGGGTCAGTCACGGCTGGTGCCAGGAAGAGGGCTGGTTCTTTGGCTCCCTGGTCTCC[C>T]GCGGTCTAGCCCAAGCTGGCCAGCGGTTGACCTGGCTCCCCTGGCCCCGGCCAGGCCTCG-3'

ClinVar aggregate classification (germline): Uncertain significance (1 of 4 stars; one submission).

Submission:

Labcorp Genetics (formerly Invitae), Labcorp
Classification: Uncertain significance. Last evaluated: 2025-12-03. Review status: criteria provided, single submitter. Criteria: Invitae Variant Classification Sherloc (09022015). Collection method: clinical testing. Allele origin: germline.
Comment: This sequence change replaces proline, which is neutral and non-polar, with leucine, which is neutral and non-polar, at codon 39 of the ALPK3 protein (p.Pro39Leu). This variant is not present in population databases (gnomAD no frequency). This variant has not been reported in the literature in individuals affected with ALPK3-related conditions. ClinVar contains an entry for this variant (Variation ID: 1477678). An algorithm developed to predict the effect of missense changes on protein structure and function outputs the following: PolyPhen-2: "Benign". The leucine amino acid residue is found in multiple mammalian species, which suggests that this missense change does not adversely affect protein function. In summary, the available evidence is currently insufficient to determine the role of this variant in disease. Therefore, it has been classified as a Variant of Uncertain Significance.